The following is an entry in ClinVar:

NM_004562.3(PRKN):c.117C>G (p.Asp39Glu)

Gene: PRKN (parkin RBR E3 ubiquitin protein ligase; minus strand). Cytogenetic location: 6q26.
Variant type: single nucleotide variant.
Coding change: c.117C>G on transcript NM_004562.3 (MANE Select); coding-DNA position 117, C replaced by G.
Protein change: p.Asp39Glu; replaces aspartic acid 39 with glutamic acid.
Molecular consequence: missense variant.
Genome position (GRCh38, 1-based): chr6:162,443,364, G>C on the plus strand (C>G on the coding strand, the complement: PRKN is on the minus strand). VCF-style: chr6-162443364-G-C. GRCh37 (hg19) VCF-style: chr6-162864396-G-C.
Other names: c.117C>G, p.Asp39Glu (NM_013987.3, NM_013988.3); c.117C>G (NM_004562.2); short protein forms D39E.
Identifiers: ClinVar variation 1442741 (VCV001442741.7), dbSNP rs756595206, ClinGen allele CA4090508.
Genomic context (GRCh38, chr6:162,443,364, plus strand): 5'-ACTCACCTGCACAGTCCAGTCATTCCTCAGCTCCTTCCCTGCGAAAATCACACGCAACTG[G>C]TCAGCCGGAACCCCCTGTCGCTTAGCAACCACCTCCTTGAGCTGGAAGATGCTGGTGTCA-3'
Protein context (NP_004553.2, residues 29-49): VVAKRQGVPA[Asp39Glu]QLRVIFAGKE

ClinVar aggregate classification (germline): Uncertain significance. Review status: criteria provided, multiple submitters, no conflicts (2 of 4 stars). 2 submissions from 2 submitters: Uncertain significance (2). Last evaluated 2024-12-17.

Conditions:
Inborn genetic diseases. Identifiers: MedGen C0950123, MeSH D030342.

Allele frequency attached by ClinVar (database versions not stated): ExAC 0.00001; gnomAD 0.00001; gnomAD exomes 0.00001.
gnomAD v4.1: 7 of 1,613,444 alleles (0.00043%); highest among the groups gnomAD compares: South Asian, 0.0077%; no homozygotes.

Submissions (2):

Ambry Genetics
Classification: Uncertain significance for Inborn genetic diseases. Last evaluated: 2024-12-17. Review status: criteria provided, single submitter. Criteria: Ambry Variant Classification Scheme 2023. Collection method: clinical testing. Allele origin: germline.

Labcorp Genetics (formerly Invitae), Labcorp
Classification: Uncertain significance. Last evaluated: 2021-10-08. Review status: criteria provided, single submitter. Criteria: Invitae Variant Classification Sherloc (09022015). Collection method: clinical testing. Allele origin: germline.
Comment: In summary, the available evidence is currently insufficient to determine the role of this variant in disease. Therefore, it has been classified as a Variant of Uncertain Significance. Algorithms developed to predict the effect of missense changes on protein structure and function are either unavailable or do not agree on the potential impact of this missense change (SIFT: "Tolerated"; PolyPhen-2: "Probably Damaging"; Align-GVGD: "Class C0"). This variant has not been reported in the literature in individuals affected with PRKN-related conditions. This variant is present in population databases (rs756595206, ExAC 0.006%). This sequence change replaces aspartic acid with glutamic acid at codon 39 of the PRKN protein (p.Asp39Glu). The aspartic acid residue is moderately conserved and there is a small physicochemical difference between aspartic acid and glutamic acid.